The following is an entry in ClinVar:

ClinVar aggregate classification (germline): Pathogenic (1 of 4 stars; one submission).

Conditions:
Hereditary breast ovarian cancer syndrome. Also called: Hereditary breast and ovarian cancer syndrome (HBOC); Breast and ovarian cancer; Hereditary breast and/or ovarian cancer syndrome; Hereditary breast and ovarian cancer; BRCA1- and BRCA2-Associated Hereditary Breast and Ovarian Cancer; Hereditary breast and ovarian cancer syndrome. Identifiers: Orphanet 145, MedGen C0677776, MeSH D061325, MONDO:0003582. Disease mechanism: loss of function.

Submission:

Labcorp Genetics (formerly Invitae), Labcorp
Classification: Pathogenic for Hereditary breast ovarian cancer syndrome. Last evaluated: 2022-08-19. Review status: criteria provided, single submitter. Criteria: Invitae Variant Classification Sherloc (09022015). Collection method: clinical testing. Allele origin: germline.
Comment: This variant is a gross deletion of the genomic region encompassing exon(s) 10-14 of the BRCA1 gene. This variant would be expected to be in-frame, preserving the integrity of the reading frame. This variant has not been reported in the literature in individuals affected with BRCA1-related conditions. This variant is also known as deletion of exons 11-15 and c.671-?_4675+?del. The region of the BRCA1 gene that includes exon(s) 10-14 has been determined to be clinically significant (PMID: 16793929, 22460208). Therefore, deletions that encompass that region are likely to be disease-causing. For these reasons, this variant has been classified as Pathogenic.

Literature cited by the submitters: PubMed 16793929; PubMed 22460208.

NC_000017.10:g.(?_41226328)_(41246897_?)del

Gene: BRCA1 (BRCA1 DNA repair associated; minus strand). Cytogenetic location: 17q21.31.
Variant type: Deletion.
Identifiers: ClinVar variation 2425732 (VCV002425732.6).